The following is an entry in ClinVar:

ClinVar aggregate classification (germline): Uncertain significance (1 of 4 stars; one submission).

gnomAD v4.1: 1 of 1,613,954 alleles (0.000062%); highest among the groups gnomAD compares: Admixed American, 0.0017%; no homozygotes.

Submission:

Labcorp Genetics (formerly Invitae), Labcorp
Classification: Uncertain significance. Last evaluated: 2024-12-09. Review status: criteria provided, single submitter. Criteria: Invitae Variant Classification Sherloc (09022015). Collection method: clinical testing. Allele origin: germline.
Comment: This sequence change replaces isoleucine, which is neutral and non-polar, with valine, which is neutral and non-polar, at codon 587 of the CNGB1 protein (p.Ile587Val). This variant is present in population databases (no rsID available, gnomAD 0.003%). This variant has not been reported in the literature in individuals affected with CNGB1-related conditions. Invitae Evidence Modeling of protein sequence and biophysical properties (such as structural, functional, and spatial information, amino acid conservation, physicochemical variation, residue mobility, and thermodynamic stability) indicates that this missense variant is not expected to disrupt CNGB1 protein function with a negative predictive value of 80%. In summary, the available evidence is currently insufficient to determine the role of this variant in disease. Therefore, it has been classified as a Variant of Uncertain Significance.

NM_001297.5(CNGB1):c.1759A>G (p.Ile587Val)

Gene: CNGB1 (cyclic nucleotide gated channel subunit beta 1; minus strand). Cytogenetic location: 16q21.
Variant type: single nucleotide variant.
Coding change: c.1759A>G on transcript NM_001297.5 (MANE Select); coding-DNA position 1759, A replaced by G.
Protein change: p.Ile587Val; replaces isoleucine 587 with valine.
Molecular consequence: missense variant.
Genome position (GRCh38, 1-based): chr16:57,920,429, T>C on the plus strand (A>G on the coding strand, the complement: CNGB1 is on the minus strand). VCF-style: chr16-57920429-T-C. GRCh37 (hg19) VCF-style: chr16-57954333-T-C.
Other names: c.1741A>G, p.Ile581Val (NM_001286130.2); short protein forms I581V, I587V.
Identifiers: ClinVar variation 3696572 (VCV003696572.1).